The following is an entry in ClinVar:

NM_005751.5(AKAP9):c.4161T>G (p.Asp1387Glu)

Gene: AKAP9 (A-kinase anchoring protein 9; plus strand). Cytogenetic location: 7q21.2.
Variant type: single nucleotide variant.
Coding change: c.4161T>G on transcript NM_005751.5 (MANE Select); coding-DNA position 4161, T replaced by G.
Protein change: p.Asp1387Glu; replaces aspartic acid 1387 with glutamic acid.
Molecular consequence: missense variant.
Genome position (GRCh38, 1-based): chr7:92,029,907, T>G. VCF-style: chr7-92029907-T-G. GRCh37 (hg19) VCF-style: chr7-91659221-T-G.
Other names: c.4161T>G, p.Asp1387Glu (NM_147185.3); short protein forms D1387E.
Identifiers: ClinVar variation 3650350 (VCV003650350.2).

ClinVar aggregate classification (germline): Uncertain significance (1 of 4 stars; one submission).

Conditions:
Long QT syndrome (LQTS). Identifiers: MedGen C0023976, MeSH D008133, MONDO:0002442. Disease mechanism: loss of function. Inheritance: Various modes of inheritance.

Submission:

Labcorp Genetics (formerly Invitae), Labcorp
Classification: Uncertain significance for Long QT syndrome. Last evaluated: 2024-04-25. Review status: criteria provided, single submitter. Criteria: Invitae Variant Classification Sherloc (09022015). Collection method: clinical testing. Allele origin: germline.
Comment: This sequence change replaces aspartic acid, which is acidic and polar, with glutamic acid, which is acidic and polar, at codon 1387 of the AKAP9 protein (p.Asp1387Glu). This variant is not present in population databases (gnomAD no frequency). This variant has not been reported in the literature in individuals affected with AKAP9-related conditions. An algorithm developed to predict the effect of missense changes on protein structure and function (PolyPhen-2) suggests that this variant is likely to be tolerated. In summary, the available evidence is currently insufficient to determine the role of this variant in disease. Therefore, it has been classified as a Variant of Uncertain Significance.